The following is an entry in ClinVar:

ClinVar aggregate classification (germline): Uncertain significance. Review status: criteria provided, multiple submitters, no conflicts (2 of 4 stars). 2 submissions from 2 submitters: Uncertain significance (2). Last evaluated 2025-09-15.

Conditions:
Werner syndrome (WRN). Identifiers: Orphanet 902, MedGen C0043119, MONDO:0010196, OMIM 277700.

Allele frequency attached by ClinVar (database versions not stated): ESP Exome Variant Server 0.00015; gnomAD 0.00005 and 0.00006; TOPMed 0.00006.
gnomAD v4.1: 206 of 1,613,826 alleles (0.013%); highest among the groups gnomAD compares: Non-Finnish European, 0.017%; no homozygotes.

Submissions (2):

Labcorp Genetics (formerly Invitae), Labcorp
Classification: Uncertain significance for Werner syndrome. Last evaluated: 2025-09-15. Review status: criteria provided, single submitter. Criteria: Invitae Variant Classification Sherloc (09022015). Collection method: clinical testing. Allele origin: germline.
Comment: This sequence change replaces arginine, which is basic and polar, with threonine, which is neutral and polar, at codon 1427 of the WRN protein (p.Arg1427Thr). This variant is present in population databases (rs61751045, gnomAD 0.009%). This variant has not been reported in the literature in individuals affected with WRN-related conditions. ClinVar contains an entry for this variant (Variation ID: 403982). An algorithm developed to predict the effect of missense changes on protein structure and function outputs the following: PolyPhen-2: "Benign". The threonine amino acid residue is found in multiple mammalian species, which suggests that this missense change does not adversely affect protein function. In summary, the available evidence is currently insufficient to determine the role of this variant in disease. Therefore, it has been classified as a Variant of Uncertain Significance.

GeneDx
Classification: Uncertain significance. Last evaluated: 2023-08-01. Review status: criteria provided, single submitter. Criteria: GeneDx Variant Classification Process June 2021. Collection method: clinical testing. Allele origin: germline. Affected: yes.
Comment: In silico analysis supports that this missense variant does not alter protein structure/function; Has not been previously published as pathogenic or benign to our knowledge

NM_000553.6(WRN):c.4280G>C (p.Arg1427Thr)

Genes: WRN (WRN RecQ like helicase; plus strand), LOC126860342 (MED14-independent group 3 enhancer GRCh37_chr8:31029565-31030764; plus strand). Cytogenetic location: 8p12.
Variant type: single nucleotide variant.
Coding change: c.4280G>C on transcript NM_000553.6 (MANE Select); coding-DNA position 4280, G replaced by C.
Protein change: p.Arg1427Thr; replaces arginine 1427 with threonine.
Molecular consequence: missense variant.
Genome position (GRCh38, 1-based): chr8:31,173,083, G>C. VCF-style: chr8-31173083-G-C. GRCh37 (hg19) VCF-style: chr8-31030599-G-C.
Other names: short protein forms R1427T.
Identifiers: ClinVar variation 403982 (VCV000403982.9), dbSNP rs61751045, ClinGen allele CA4705313.